The following is an entry in ClinVar:

NM_006642.5(SDCCAG8):c.25A>G (p.Thr9Ala)

Gene: SDCCAG8 (SHH signaling and ciliogenesis regulator SDCCAG8; plus strand). Cytogenetic location: 1q43.
Variant type: single nucleotide variant.
Coding change: c.25A>G on transcript NM_006642.5 (MANE Select); coding-DNA position 25, A replaced by G.
Protein change: p.Thr9Ala; replaces threonine 9 with alanine.
Molecular consequence: missense variant. On other transcripts: 5 prime UTR variant (4).
Genome position (GRCh38, 1-based): chr1:243,256,198, A>G. VCF-style: chr1-243256198-A-G. GRCh37 (hg19) VCF-style: chr1-243419500-A-G.
Other names: c.-1088A>G (NM_001350246.2); c.-976A>G (NM_001350247.2); c.25A>G, p.Thr9Ala (NM_001350248.2); c.-283A>G (NM_001350249.2); c.-1349A>G (NM_001350251.2); short protein forms T9A.
Identifiers: ClinVar variation 3353517 (VCV003353517.2).

ClinVar aggregate classification (germline): Uncertain significance. Review status: criteria provided, single submitter (1 of 4 stars). 2 submissions from 2 submitters: Uncertain significance (1). 1 of the submissions does not count toward it. Last evaluated 2026-01-07.

Conditions:
SDCCAG8-related disorder. Also called: SDCCAG8-Related Disorders; SDCCAG8-related condition.

gnomAD v4.1: 6 of 1,613,968 alleles (0.00037%); highest among the groups gnomAD compares: Non-Finnish European, 0.00051%; no homozygotes.

Submissions (2):

Women's Health and Genetics/Laboratory Corporation of America, LabCorp
Classification: Uncertain significance. Last evaluated: 2026-01-07. Review status: criteria provided, single submitter. Criteria: LabCorp Variant Classification Summary - May 2015. Collection method: clinical testing. Allele origin: germline.
Comment: Variant summary: SDCCAG8 c.25A>G (p.Thr9Ala) results in a non-conservative amino acid change in the encoded protein sequence. Algorithms developed to predict the effect of missense changes on protein structure and function are either unavailable or do not agree on the potential impact of this missense change. The variant allele was found at a frequency of 4e-06 in 251472 control chromosomes. The available data on variant occurrences in the general population are insufficient to allow any conclusion about variant significance. To our knowledge, no occurrence of c.25A>G in individuals affected with SDCCAG8-related conditions and no experimental evidence demonstrating its impact on protein function have been reported. ClinVar contains an entry for this variant (Variation ID: 3353517). Based on the evidence outlined above, the variant was classified as uncertain significance.

PreventionGenetics, part of Exact Sciences
Classification: Uncertain significance for SDCCAG8-related condition. Last evaluated: 2024-02-01. Review status: no assertion criteria provided. Collection method: clinical testing. Allele origin: germline. Not counted in ClinVar's aggregate classification.
Comment: The SDCCAG8 c.25A>G variant is predicted to result in the amino acid substitution p.Thr9Ala. To our knowledge, this variant has not been reported in the literature. This variant is reported in 0.00088% of alleles in individuals of European (Non-Finnish) descent in gnomAD. At this time, the clinical significance of this variant is uncertain due to the absence of conclusive functional and genetic evidence.